The following is an entry in ClinVar:

NM_203447.4(DOCK8):c.3117G>C (p.Gln1039His)

Gene: DOCK8 (dedicator of cytokinesis 8; plus strand). Cytogenetic location: 9p24.3.
Variant type: single nucleotide variant.
Coding change: c.3117G>C on transcript NM_203447.4 (MANE Select); coding-DNA position 3117, G replaced by C.
Protein change: p.Gln1039His; replaces glutamine 1039 with histidine.
Molecular consequence: missense variant.
Genome position (GRCh38, 1-based): chr9:396,931, G>C. VCF-style: chr9-396931-G-C. GRCh37 (hg19) VCF-style: chr9-396931-G-C.
Other names: c.2817G>C, p.Gln939His (NM_001190458.2); c.2913G>C, p.Gln971His (NM_001193536.2); short protein forms Q939H, Q1039H, Q971H.
Identifiers: ClinVar variation 1484936 (VCV001484936.8), dbSNP rs2131396758, ClinGen allele CA372753143.

ClinVar aggregate classification (germline): Uncertain significance (1 of 4 stars; one submission).

Conditions:
Combined immunodeficiency due to DOCK8 deficiency (HIES2). Also called: HIES autosomal recessive; DOCK8 Deficiency; Hyper-IgE recurrent infection syndrome, autosomal recessive; HYPER-IgE SYNDROME 2, AUTOSOMAL RECESSIVE, WITH RECURRENT INFECTIONS; HYPER-IgE RECURRENT INFECTION SYNDROME 2, AUTOSOMAL RECESSIVE. Identifiers: Orphanet 217390, MedGen C4722305, MONDO:0009478, OMIM 243700.

Submission:

Labcorp Genetics (formerly Invitae), Labcorp
Classification: Uncertain significance for Combined immunodeficiency due to DOCK8 deficiency. Last evaluated: 2023-10-13. Review status: criteria provided, single submitter. Criteria: Invitae Variant Classification Sherloc (09022015). Collection method: clinical testing. Allele origin: germline.
Comment: This sequence change replaces glutamine, which is neutral and polar, with histidine, which is basic and polar, at codon 1039 of the DOCK8 protein (p.Gln1039His). This variant is not present in population databases (gnomAD no frequency). This variant has not been reported in the literature in individuals affected with DOCK8-related conditions. ClinVar contains an entry for this variant (Variation ID: 1484936). Advanced modeling of protein sequence and biophysical properties (such as structural, functional, and spatial information, amino acid conservation, physicochemical variation, residue mobility, and thermodynamic stability) performed at Invitae indicates that this missense variant is not expected to disrupt DOCK8 protein function. In summary, the available evidence is currently insufficient to determine the role of this variant in disease. Therefore, it has been classified as a Variant of Uncertain Significance.